The following is an entry in ClinVar:

ClinVar aggregate classification (germline): Uncertain significance (1 of 4 stars; one submission).

Conditions:
Inborn genetic diseases. Identifiers: MedGen C0950123, MeSH D030342.

gnomAD v4.1: 1 of 1,610,602 alleles (0.000062%); highest among the groups gnomAD compares: South Asian, 0.0011%; no homozygotes.

Submission:

Ambry Genetics
Classification: Uncertain significance for Inborn genetic diseases. Last evaluated: 2024-04-05. Review status: criteria provided, single submitter. Criteria: Ambry Variant Classification Scheme 2023. Collection method: clinical testing. Allele origin: germline.
Comment: The p.T213A variant (also known as c.637A>G), located in coding exon 7 of the MDH2 gene, results from an A to G substitution at nucleotide position 637. The threonine at codon 213 is replaced by alanine, an amino acid with similar properties. This amino acid position is conserved. In addition, the in silico prediction for this alteration is inconclusive. Based on the available evidence, the clinical significance of this variant remains unclear.

NM_005918.4(MDH2):c.637A>G (p.Thr213Ala)

Gene: MDH2 (malate dehydrogenase 2; plus strand). Cytogenetic location: 7q11.23.
Variant type: single nucleotide variant.
Coding change: c.637A>G on transcript NM_005918.4 (MANE Select); coding-DNA position 637, A replaced by G.
Protein change: p.Thr213Ala; replaces threonine 213 with alanine.
Molecular consequence: missense variant.
Genome position (GRCh38, 1-based): chr7:76,064,342, A>G. VCF-style: chr7-76064342-A-G. GRCh37 (hg19) VCF-style: chr7-75693660-A-G.
Other names: c.511A>G, p.Thr171Ala (NM_001282403.2); c.316A>G, p.Thr106Ala (NM_001282404.2); short protein forms T106A, T213A, T171A.
Identifiers: ClinVar variation 3293828 (VCV003293828.1).